The following is an entry in ClinVar:

NM_000059.4(BRCA2):c.1546T>A (p.Phe516Ile)

Gene: BRCA2 (BRCA2 DNA repair associated; plus strand). Cytogenetic location: 13q13.1.
Variant type: single nucleotide variant.
Coding change: c.1546T>A on transcript NM_000059.4 (MANE Select); coding-DNA position 1546, T replaced by A.
Protein change: p.Phe516Ile; replaces phenylalanine 516 with isoleucine.
Molecular consequence: missense variant.
Genome position (GRCh38, 1-based): chr13:32,333,024, T>A. VCF-style: chr13-32333024-T-A. GRCh37 (hg19) VCF-style: chr13-32907161-T-A.
Other names: short protein forms F516I.
Identifiers: ClinVar variation 1494408 (VCV001494408.7), dbSNP rs2137472549, ClinGen allele CA387764645.

ClinVar aggregate classification (germline): Conflicting classifications of pathogenicity. Review status: criteria provided, conflicting classifications (1 of 4 stars). 2 submissions from 2 submitters: Uncertain significance (1); Likely benign (1). Last evaluated 2023-03-23.

Conditions:
Hereditary cancer-predisposing syndrome. Also called: Tumor predisposition; Hereditary neoplastic syndrome; Neoplastic Syndromes, Hereditary; Hereditary Cancer Syndrome. Identifiers: Orphanet 140162, MedGen C0027672, MeSH D009386, MONDO:0015356.
Hereditary breast ovarian cancer syndrome. Also called: Hereditary breast and ovarian cancer; Hereditary breast and ovarian cancer syndrome; Hereditary breast and/or ovarian cancer syndrome; Hereditary breast and ovarian cancer syndrome (HBOC); Breast and ovarian cancer; BRCA1- and BRCA2-Associated Hereditary Breast and Ovarian Cancer. Identifiers: Orphanet 145, MedGen C0677776, MeSH D061325, MONDO:0003582. Disease mechanism: loss of function.

Submissions (2):

University of Washington Department of Laboratory Medicine, University of Washington
Classification: Likely benign for Hereditary cancer-predisposing syndrome. Last evaluated: 2023-03-23. Review status: criteria provided, single submitter. Criteria: Dines et al. (Genet Med. 2020). Collection method: curation. Allele origin: germline.
Comment: Missense variant in a coldspot region where missense variants are very unlikely to be pathogenic (PMID:31911673).

BRCA2 exon 10 coldspot. Reclassification based on statistical prior probability.

Labcorp Genetics (formerly Invitae), Labcorp
Classification: Uncertain significance for Hereditary breast ovarian cancer syndrome. Last evaluated: 2021-11-17. Review status: criteria provided, single submitter. Criteria: Invitae Variant Classification Sherloc (09022015). Collection method: clinical testing. Allele origin: germline.
Comment: This sequence change replaces phenylalanine, which is neutral and non-polar, with isoleucine, which is neutral and non-polar, at codon 516 of the BRCA2 protein (p.Phe516Ile). This variant is not present in population databases (gnomAD no frequency). This variant has not been reported in the literature in individuals affected with BRCA2-related conditions. Advanced modeling of protein sequence and biophysical properties (such as structural, functional, and spatial information, amino acid conservation, physicochemical variation, residue mobility, and thermodynamic stability) performed at Invitae indicates that this missense variant is not expected to disrupt BRCA2 protein function. In summary, the available evidence is currently insufficient to determine the role of this variant in disease. Therefore, it has been classified as a Variant of Uncertain Significance.